The following is an entry in ClinVar:

NM_020909.4(EPB41L5):c.1961A>T (p.Gln654Leu)

Gene: EPB41L5 (erythrocyte membrane protein band 4.1 like 5; plus strand). Cytogenetic location: 2q14.2.
Variant type: single nucleotide variant.
Coding change: c.1961A>T on transcript NM_020909.4 (MANE Select); coding-DNA position 1961, A replaced by T.
Protein change: p.Gln654Leu; replaces glutamine 654 with leucine.
Molecular consequence: missense variant.
Genome position (GRCh38, 1-based): chr2:120,164,909, A>T. VCF-style: chr2-120164909-A-T. GRCh37 (hg19) VCF-style: chr2-120922485-A-T.
Other names: NC_000002.11:g.120922485A>T; c.1961A>T, p.Gln654Leu (NM_001184937.2, NM_001330310.2); short protein forms Q654L.
Identifiers: ClinVar variation 773428 (VCV000773428.28), dbSNP rs115833267, ClinGen allele CA1850713.

ClinVar aggregate classification (germline): Benign/Likely benign. Review status: criteria provided, multiple submitters, no conflicts (2 of 4 stars). 2 submissions from 2 submitters: Benign (1); Likely benign (1). Last evaluated 2022-07-01.

Allele frequency attached by ClinVar (database versions not stated): ESP Exome Variant Server 0.00423; gnomAD exomes 0.00463 and 0.00517; gnomAD 0.00482 and 0.00389; ExAC 0.00489; 1000 Genomes Project 30x 0.00078; 1000 Genomes Project 0.00080; TOPMed 0.00383.
gnomAD v4.1: 8,108 of 1,604,580 alleles (0.51%); highest among the groups gnomAD compares: Non-Finnish European, 0.57%; 36 homozygotes.

Submissions (26):

CeGaT Center for Human Genetics Tuebingen
Classification: Likely benign. Last evaluated: 2022-07-01. Review status: criteria provided, single submitter. Criteria: CeGaT Center For Human Genetics Tuebingen Variant Classification Criteria Version 2. Collection method: clinical testing. Allele origin: germline. Affected: yes. Observed: 1 variant allele.
Comment: EPB41L5: BP4

Labcorp Genetics (formerly Invitae), Labcorp
Classification: Benign. Last evaluated: 2017-11-07. Review status: criteria provided, single submitter. Criteria: Invitae Variant Classification Sherloc (09022015). Collection method: clinical testing. Allele origin: germline.

Dr. Peter K. Rogan Lab, Western University
No classification provided (evidence only). Condition: Clear cell carcinoma of kidney. Review status: no classification provided. Collection method: in vitro. Allele origin: not applicable. Functional consequence: skipped exon. Not counted in ClinVar's aggregate classification.

Dr. Peter K. Rogan Lab, Western University
No classification provided (evidence only). Condition: Clear cell carcinoma of kidney. Review status: no classification provided. Collection method: in vitro. Allele origin: not applicable. Functional consequence: skipped exon, retained intron. Not counted in ClinVar's aggregate classification.

Dr. Peter K. Rogan Lab, Western University
No classification provided (evidence only). Condition: Melanoma. Review status: no classification provided. Collection method: in vitro. Allele origin: not applicable. Functional consequence: skipped exon, retained intron. Not counted in ClinVar's aggregate classification.

Dr. Peter K. Rogan Lab, Western University
No classification provided (evidence only). Condition: Melanoma. Review status: no classification provided. Collection method: in vitro. Allele origin: not applicable. Functional consequence: skipped exon. Not counted in ClinVar's aggregate classification.

Dr. Peter K. Rogan Lab, Western University
No classification provided (evidence only). Condition: Acute myeloid leukemia. Review status: no classification provided. Collection method: in vitro. Allele origin: not applicable. Functional consequence: retained intron. Not counted in ClinVar's aggregate classification.

Dr. Peter K. Rogan Lab, Western University
No classification provided (evidence only). Condition: Colon adenocarcinoma. Review status: no classification provided. Collection method: in vitro. Allele origin: not applicable. Functional consequence: skipped exon. Not counted in ClinVar's aggregate classification.

Dr. Peter K. Rogan Lab, Western University
No classification provided (evidence only). Condition: Thyroid cancer, nonmedullary, 1. Review status: no classification provided. Collection method: in vitro. Allele origin: not applicable. Functional consequence: skipped exon, retained intron. Not counted in ClinVar's aggregate classification.

Dr. Peter K. Rogan Lab, Western University
No classification provided (evidence only). Condition: Uterine corpus endometrial carcinoma. Review status: no classification provided. Collection method: in vitro. Allele origin: not applicable. Functional consequence: skipped exon. Not counted in ClinVar's aggregate classification.

Dr. Peter K. Rogan Lab, Western University
No classification provided (evidence only). Condition: Cervical cancer. Review status: no classification provided. Collection method: in vitro. Allele origin: not applicable. Functional consequence: retained intron. Not counted in ClinVar's aggregate classification.

Dr. Peter K. Rogan Lab, Western University
No classification provided (evidence only). Condition: Cervical cancer. Review status: no classification provided. Collection method: in vitro. Allele origin: not applicable. Functional consequence: retained intron. Not counted in ClinVar's aggregate classification.

Dr. Peter K. Rogan Lab, Western University
No classification provided (evidence only). Condition: Sarcoma. Review status: no classification provided. Collection method: in vitro. Allele origin: not applicable. Functional consequence: skipped exon, retained intron. Not counted in ClinVar's aggregate classification.

Dr. Peter K. Rogan Lab, Western University
No classification provided (evidence only). Condition: Hepatocellular carcinoma. Review status: no classification provided. Collection method: in vitro. Allele origin: not applicable. Functional consequence: skipped exon. Not counted in ClinVar's aggregate classification.

Dr. Peter K. Rogan Lab, Western University
No classification provided (evidence only). Condition: Ovarian serous cystadenocarcinoma. Review status: no classification provided. Collection method: in vitro. Allele origin: not applicable. Functional consequence: retained intron. Not counted in ClinVar's aggregate classification.

Dr. Peter K. Rogan Lab, Western University
No classification provided (evidence only). Condition: Ovarian serous cystadenocarcinoma. Review status: no classification provided. Collection method: in vitro. Allele origin: not applicable. Functional consequence: retained intron. Not counted in ClinVar's aggregate classification.

Dr. Peter K. Rogan Lab, Western University
No classification provided (evidence only). Condition: Ovarian serous cystadenocarcinoma. Review status: no classification provided. Collection method: in vitro. Allele origin: not applicable. Functional consequence: retained intron. Not counted in ClinVar's aggregate classification.

Dr. Peter K. Rogan Lab, Western University
No classification provided (evidence only). Condition: Gastric cancer. Review status: no classification provided. Collection method: in vitro. Allele origin: not applicable. Functional consequence: retained intron. Not counted in ClinVar's aggregate classification.

Dr. Peter K. Rogan Lab, Western University
No classification provided (evidence only). Condition: Gastric cancer. Review status: no classification provided. Collection method: in vitro. Allele origin: not applicable. Functional consequence: retained intron. Not counted in ClinVar's aggregate classification.

Dr. Peter K. Rogan Lab, Western University
No classification provided (evidence only). Condition: Uterine carcinosarcoma. Review status: no classification provided. Collection method: in vitro. Allele origin: not applicable. Functional consequence: skipped exon. Not counted in ClinVar's aggregate classification.

Dr. Peter K. Rogan Lab, Western University
No classification provided (evidence only). Condition: Malignant tumor of esophagus. Review status: no classification provided. Collection method: in vitro. Allele origin: not applicable. Functional consequence: retained intron. Not counted in ClinVar's aggregate classification.

Dr. Peter K. Rogan Lab, Western University
No classification provided (evidence only). Condition: Malignant tumor of esophagus. Review status: no classification provided. Collection method: in vitro. Allele origin: not applicable. Functional consequence: retained intron. Not counted in ClinVar's aggregate classification.

Dr. Peter K. Rogan Lab, Western University
No classification provided (evidence only). Condition: Malignant tumor of esophagus. Review status: no classification provided. Collection method: in vitro. Allele origin: not applicable. Functional consequence: skipped exon, retained intron. Not counted in ClinVar's aggregate classification.

Dr. Peter K. Rogan Lab, Western University
No classification provided (evidence only). Condition: Malignant tumor of esophagus. Review status: no classification provided. Collection method: in vitro. Allele origin: not applicable. Functional consequence: retained intron. Not counted in ClinVar's aggregate classification.

Dr. Peter K. Rogan Lab, Western University
No classification provided (evidence only). Condition: Lymphoma. Review status: no classification provided. Collection method: in vitro. Allele origin: not applicable. Functional consequence: skipped exon. Not counted in ClinVar's aggregate classification.

Dr. Peter K. Rogan Lab, Western University
No classification provided (evidence only). Condition: Lymphoma. Review status: no classification provided. Collection method: in vitro. Allele origin: not applicable. Functional consequence: skipped exon, retained intron. Not counted in ClinVar's aggregate classification.